The following is an entry in ClinVar:

NM_001029883.3(PCARE):c.1928A>G (p.Gln643Arg)

Gene: PCARE (photoreceptor cilium actin regulator; minus strand). Cytogenetic location: 2p23.2.
Variant type: single nucleotide variant.
Coding change: c.1928A>G on transcript NM_001029883.3 (MANE Select); coding-DNA position 1928, A replaced by G.
Protein change: p.Gln643Arg; replaces glutamine 643 with arginine.
Molecular consequence: missense variant.
Genome position (GRCh38, 1-based): chr2:29,072,334, T>C on the plus strand (A>G on the coding strand, the complement: PCARE is on the minus strand). VCF-style: chr2-29072334-T-C. GRCh37 (hg19) VCF-style: chr2-29295200-T-C.
Other names: short protein forms Q643R.
Identifiers: ClinVar variation 1047118 (VCV001047118.7), dbSNP rs767703292, ClinGen allele CA1592327.

ClinVar aggregate classification (germline): Uncertain significance (1 of 4 stars; one submission).

Allele frequency attached by ClinVar (database versions not stated): gnomAD exomes 0.00001; TOPMed 0.00001; gnomAD 0.00002; ExAC 0.00001.
gnomAD v4.1: 7 of 1,614,044 alleles (0.00043%); highest among the groups gnomAD compares: Middle Eastern, 0.016%; no homozygotes.

Submission:

Labcorp Genetics (formerly Invitae), Labcorp
Classification: Uncertain significance. Last evaluated: 2022-10-17. Review status: criteria provided, single submitter. Criteria: Invitae Variant Classification Sherloc (09022015). Collection method: clinical testing. Allele origin: germline.
Comment: This sequence change replaces glutamine, which is neutral and polar, with arginine, which is basic and polar, at codon 643 of the PCARE protein (p.Gln643Arg). This variant is present in population databases (rs767703292, gnomAD 0.01%). This variant has not been reported in the literature in individuals affected with PCARE-related conditions. ClinVar contains an entry for this variant (Variation ID: 1047118). Algorithms developed to predict the effect of missense changes on protein structure and function output the following: SIFT: "Tolerated"; PolyPhen-2: "Benign"; Align-GVGD: "Class C0". The arginine amino acid residue is found in multiple mammalian species, which suggests that this missense change does not adversely affect protein function. In summary, the available evidence is currently insufficient to determine the role of this variant in disease. Therefore, it has been classified as a Variant of Uncertain Significance.